The following is an entry in ClinVar:

ClinVar aggregate classification (germline): Uncertain significance (1 of 4 stars; one submission).

Conditions:
Hereditary cancer-predisposing syndrome. Also called: Hereditary neoplastic syndrome; Neoplastic Syndromes, Hereditary; Tumor predisposition; Hereditary Cancer Syndrome. Identifiers: Orphanet 140162, MedGen C0027672, MeSH D009386, MONDO:0015356.

Submission:

Ambry Genetics
Classification: Uncertain significance for Hereditary cancer-predisposing syndrome. Last evaluated: 2025-03-08. Review status: criteria provided, single submitter. Criteria: Ambry Variant Classification Scheme 2023. Collection method: clinical testing. Allele origin: germline.
Comment: The p.G178S variant (also known as c.532G>A), located in coding exon 7 of the BAP1 gene, results from a G to A substitution at nucleotide position 532. The glycine at codon 178 is replaced by serine, an amino acid with similar properties. This amino acid position is conserved. In addition, the in silico prediction for this alteration is inconclusive. Based on the available evidence, the clinical significance of this variant remains unclear.

NM_004656.4(BAP1):c.532G>A (p.Gly178Ser)

Gene: BAP1 (BRCA1 associated deubiquitinase 1; minus strand). Cytogenetic location: 3p21.1.
Variant type: single nucleotide variant.
Coding change: c.532G>A on transcript NM_004656.4 (MANE Select); coding-DNA position 532, G replaced by A.
Protein change: p.Gly178Ser; replaces glycine 178 with serine.
Molecular consequence: missense variant.
Genome position (GRCh38, 1-based): chr3:52,407,222, C>T on the plus strand (G>A on the coding strand, the complement: BAP1 is on the minus strand). VCF-style: chr3-52407222-C-T. GRCh37 (hg19) VCF-style: chr3-52441238-C-T.
Other names: c.532G>A, p.Gly178Ser (NM_001410772.1); short protein forms G178S.
Identifiers: ClinVar variation 3819366 (VCV003819366.1).
Genomic context (GRCh38, chr3:52,407,222, plus strand): 5'-CATGGTGCCTACCATGGTCAATGGGGTAGACCTTCAGCCCATCCAGCTCAAAGAGCCGGC[C>T]TGTGATAGGCACATAGCTGACAAAGTGGAACGCCTCCATGGTCCGCACTGCACTAAGGCC-3'
Protein context (NP_004647.1, residues 168-188): FHFVSYVPIT[Gly178Ser]RLFELDGLKV